The following is an entry in ClinVar:

NM_206933.4(USH2A):c.10559A>G (p.Asn3520Ser)

Gene: USH2A (usherin; minus strand). Cytogenetic location: 1q41.
Variant type: single nucleotide variant.
Coding change: c.10559A>G on transcript NM_206933.4 (MANE Select); coding-DNA position 10559, A replaced by G.
Protein change: p.Asn3520Ser; replaces asparagine 3520 with serine.
Molecular consequence: missense variant.
Genome position (GRCh38, 1-based): chr1:215,782,764, T>C on the plus strand (A>G on the coding strand, the complement: USH2A is on the minus strand). VCF-style: chr1-215782764-T-C. GRCh37 (hg19) VCF-style: chr1-215956106-T-C.
Other names: short protein forms N3520S.
Identifiers: ClinVar variation 438001 (VCV000438001.9), dbSNP rs777043718, ClinGen allele CA1393992.

ClinVar aggregate classification (germline): Uncertain significance. Review status: criteria provided, multiple submitters, no conflicts (2 of 4 stars). 8 submissions from 7 submitters: Uncertain significance (6). 2 of the submissions do not count toward it. Last evaluated 2025-11-18.

Conditions:
USH2A-related disorder. Also called: USH2A-related disorders; USH2A-related condition. Identifiers: MedGen CN239332.
Usher syndrome. Also called: Usher Syndromes; Usher's syndrome. Identifiers: Orphanet 886, MedGen CN469326, MeSH D052245, MONDO:0019501. Disease mechanism: loss of function.
Retinitis pigmentosa 39 (RP39). Identifiers: Orphanet 791, MedGen C3151138, MONDO:0013436, OMIM 613809.
Usher syndrome type 2A. Also called: RETINAL DISEASE IN USHER SYNDROME TYPE IIA, MODIFIER OF; USHER SYNDROME, TYPE IIA. Identifiers: Orphanet 231178, Orphanet 886, MedGen C1848634, MONDO:0010169, OMIM 276901.
Retinal dystrophy. Also called: Inherited retinal dystrophy. Identifiers: Orphanet 71862, MedGen C0854723, MeSH D058499, MONDO:0019118, HP:0000556.

Allele frequency attached by ClinVar (database versions not stated): gnomAD 0.00001; TOPMed 0.00002; ExAC 0.00003.
gnomAD v4.1: 189 of 1,613,794 alleles (0.012%); highest among the groups gnomAD compares: Non-Finnish European, 0.016%; no homozygotes.

Submissions (8):

PreventionGenetics, part of Exact Sciences
Classification: Uncertain significance for USH2A-related condition. Last evaluated: 2025-11-18. Review status: criteria provided, single submitter. Criteria: ACMG Guidelines, 2015. Collection method: clinical testing. Allele origin: germline.
Comment: The USH2A c.10559A>G variant is predicted to result in the amino acid substitution p.Asn3520Ser. This variant has reported in an individual with Usher syndrome (Table S2, Carss et al. 2017. PubMed ID: 28041643); however, this individual also has other USH2A variants. This variant is reported in 0.0062% of alleles in individuals of European (Non-Finnish) descent in gnomAD. At this time, the clinical significance of this variant is uncertain due to the absence of conclusive functional and genetic evidence.

Labcorp Genetics (formerly Invitae), Labcorp
Classification: Uncertain significance. Last evaluated: 2025-05-06. Review status: criteria provided, single submitter. Criteria: Invitae Variant Classification Sherloc (09022015). Collection method: clinical testing. Allele origin: germline.
Comment: This sequence change replaces asparagine, which is neutral and polar, with serine, which is neutral and polar, at codon 3520 of the USH2A protein (p.Asn3520Ser). This variant is present in population databases (rs777043718, gnomAD 0.006%). This missense change has been observed in individual(s) with Usher syndrome (PMID: 28041643, 38219857). ClinVar contains an entry for this variant (Variation ID: 438001). Invitae Evidence Modeling of protein sequence and biophysical properties (such as structural, functional, and spatial information, amino acid conservation, physicochemical variation, residue mobility, and thermodynamic stability) indicates that this missense variant is not expected to disrupt USH2A protein function with a negative predictive value of 95%. In summary, the available evidence is currently insufficient to determine the role of this variant in disease. Therefore, it has been classified as a Variant of Uncertain Significance.

Genome-Nilou Lab
Classification: Uncertain significance for Retinitis pigmentosa 39. Last evaluated: 2023-11-04. Review status: criteria provided, single submitter. Criteria: ACMG Guidelines, 2015. Collection method: clinical testing. Allele origin: germline. Affected: no.

Genome-Nilou Lab
Classification: Uncertain significance for Usher syndrome type 2A. Last evaluated: 2023-11-04. Review status: criteria provided, single submitter. Criteria: ACMG Guidelines, 2015. Collection method: clinical testing. Allele origin: germline. Affected: no.

Blueprint Genetics
Classification: Uncertain significance. Last evaluated: 2021-11-18. Review status: criteria provided, single submitter. Criteria: ACMG Guidelines, 2015. Collection method: clinical testing. Allele origin: germline.

Institute of Human Genetics, Univ. Regensburg, Univ. Regensburg
Classification: Uncertain significance for Retinal dystrophy. Last evaluated: 2021-01-01. Review status: criteria provided, single submitter. Criteria: ACMG Guidelines, 2015. Collection method: clinical testing. Allele origin: germline. Affected: yes.

Counsyl
Classification: Uncertain significance for Usher syndrome type 2A; Retinitis pigmentosa 39. Last evaluated: 2017-11-08. Review status: no assertion criteria provided. Collection method: clinical testing. Allele origin: unknown. Not counted in ClinVar's aggregate classification.

NIHR Bioresource Rare Diseases, University of Cambridge
Classification: Uncertain significance for Usher syndrome, type 2D. Last evaluated: 2015-01-01. Review status: no assertion criteria provided. Collection method: research. Allele origin: unknown. Affected: yes. Observed: 1 variant allele. Not counted in ClinVar's aggregate classification.

Literature cited by the submitters: PubMed 28041643 (cited by 4 submitters); PubMed 38219857 (cited by Labcorp Genetics (formerly Invitae), Labcorp).